The following is an entry in ClinVar:

ClinVar aggregate classification (germline): Uncertain significance (1 of 4 stars; one submission).

Conditions:
Familial cancer of breast. Also called: hereditary breast carcinoma; BREAST CANCER, FAMILIAL; Hereditary breast cancer. Identifiers: Orphanet 227535, MedGen C0346153, MONDO:0016419, OMIM 114480. Disease mechanism: loss of function.
Fanconi anemia complementation group J. Also called: BRIP1-Related Fanconi Anemia. Identifiers: Orphanet 84, MedGen C1836860, MONDO:0012187, OMIM 609054.

Submission:

Labcorp Genetics (formerly Invitae), Labcorp
Classification: Uncertain significance for Familial cancer of breast; Fanconi anemia complementation group J. Last evaluated: 2023-01-06. Review status: criteria provided, single submitter. Criteria: Invitae Variant Classification Sherloc (09022015). Collection method: clinical testing. Allele origin: germline.
Comment: In summary, the available evidence is currently insufficient to determine the role of this variant in disease. Therefore, it has been classified as a Variant of Uncertain Significance. Experimental studies and prediction algorithms are not available or were not evaluated, and the functional significance of this variant is currently unknown. This variant has not been reported in the literature in individuals affected with BRIP1-related conditions. This variant is not present in population databases (gnomAD no frequency). This variant, c.726_734del, results in the deletion of 3 amino acid(s) of the BRIP1 protein (p.Pro244_Ile246del), but otherwise preserves the integrity of the reading frame.

NM_032043.3(BRIP1):c.726_734del (p.Pro244_Ile246del)

Gene: BRIP1 (BRCA1 interacting DNA helicase 1; minus strand). Cytogenetic location: 17q23.2.
Variant type: Deletion.
Coding change: c.726_734del on transcript NM_032043.3 (MANE Select); coding-DNA positions 726 to 734, 9 bases deleted (GATACCCAA; older notation c.726_734delGATACCCAA).
Protein change: p.Pro244_Ile246del.
Molecular consequence: inframe deletion.
Genome position (GRCh38, 1-based): chr17:61,808,651-61,808,659, TTGGGTATC deleted on the plus strand (GATACCCAA on the coding strand, the reverse complement: BRIP1 is on the minus strand); deleting any 9 consecutive bases within chr17:61,808,651-61,808,663 gives the same sequence; the c. name uses the placement nearest the transcript's 3' end. VCF-style (leftmost placement, unchanged base first): chr17-61808650-TTTGGGTATC-T. GRCh37 (hg19) VCF-style: chr17-59886011-TTTGGGTATC-T.
Identifiers: ClinVar variation 2008187 (VCV002008187.4), dbSNP rs2545197805, ClinGen allele CA2580094690.